The following is an entry in ClinVar:

NM_001042492.3(NF1):c.3963G>A (p.Val1321=)

Gene: NF1 (neurofibromin 1; plus strand). Cytogenetic location: 17q11.2.
Variant type: single nucleotide variant.
Coding change: c.3963G>A on transcript NM_001042492.3 (MANE Select); coding-DNA position 3963, G replaced by A.
Protein change: p.Val1321=; no amino-acid change (valine 1321 retained).
Molecular consequence: synonymous variant.
Genome position (GRCh38, 1-based): chr17:31,236,010, G>A. VCF-style: chr17-31236010-G-A. GRCh37 (hg19) VCF-style: chr17-29563028-G-A.
Other names: c.3963G>A, p.Val1321= (NM_000267.4).
Identifiers: ClinVar variation 233676 (VCV000233676.5), dbSNP rs876660566, ClinGen allele CA10580302.

ClinVar aggregate classification (germline): Likely benign. Review status: criteria provided, multiple submitters, no conflicts (2 of 4 stars). 2 submissions from 2 submitters: Likely benign (2). Last evaluated 2024-03-11.

Conditions:
Neurofibromatosis, type 1 (NF1). Also called: VON RECKLINGHAUSEN DISEASE; NEUROFIBROMATOSIS, TYPE I, SOMATIC; Peripheral type neurofibromatosis; Neurofibromatosis, type I. Identifiers: Orphanet 636, MedGen C0027831, MONDO:0018975, OMIM 162200. Disease mechanism: loss of function.
Hereditary cancer-predisposing syndrome. Also called: Tumor predisposition; Hereditary Cancer Syndrome; Hereditary neoplastic syndrome; Neoplastic Syndromes, Hereditary. Identifiers: Orphanet 140162, MedGen C0027672, MeSH D009386, MONDO:0015356.

Submissions (2):

Labcorp Genetics (formerly Invitae), Labcorp
Classification: Likely benign for Neurofibromatosis, type 1. Last evaluated: 2024-03-11. Review status: criteria provided, single submitter. Criteria: Invitae Variant Classification Sherloc (09022015). Collection method: clinical testing. Allele origin: germline.

Ambry Genetics
Classification: Likely benign for Hereditary cancer-predisposing syndrome. Last evaluated: 2015-09-02. Review status: criteria provided, single submitter. Criteria: Ambry Autosomal Dominant and X-Linked criteria (10/2015). Collection method: clinical testing. Allele origin: germline. Observed: 1 variant allele.
Comment: Synonymous alterations with insufficient evidence to classify as benign